The following is an entry in ClinVar:

NM_000217.3(KCNA1):c.607C>T (p.His203Tyr)

Gene: KCNA1 (potassium voltage-gated channel subfamily A member 1; plus strand). Cytogenetic location: 12p13.32.
Variant type: single nucleotide variant.
Coding change: c.607C>T on transcript NM_000217.3 (MANE Select); coding-DNA position 607, C replaced by T.
Protein change: p.His203Tyr; replaces histidine 203 with tyrosine.
Molecular consequence: missense variant.
Genome position (GRCh38, 1-based): chr12:4,911,985, C>T. VCF-style: chr12-4911985-C-T. GRCh37 (hg19) VCF-style: chr12-5021151-C-T.
Other names: short protein forms H203Y.
Identifiers: ClinVar variation 2577242 (VCV002577242.4), dbSNP rs1461354272, ClinGen allele CA383454935.

ClinVar aggregate classification (germline): Uncertain significance. Review status: criteria provided, multiple submitters, no conflicts (2 of 4 stars). 2 submissions from 2 submitters: Uncertain significance (2). Last evaluated 2025-04-26.

Conditions:
Episodic ataxia type 1 (EA1). Also called: ATAXIA, EPISODIC, WITH MYOKYMIA; MYOKYMIA WITH PERIODIC ATAXIA; PAROXYSMAL ATAXIA WITH NEUROMYOTONIA, HEREDITARY; Episodic ataxia/myokymia syndrome. Identifiers: Orphanet 37612, Orphanet 972, MedGen C1719788, MONDO:0008047, OMIM 160120.

Allele frequency attached by ClinVar (database versions not stated): gnomAD exomes below 0.00001; TOPMed 0.00001.
gnomAD v4.1: 2 of 1,614,152 alleles (0.00012%); highest among the groups gnomAD compares: Non-Finnish European, 0.00017%; no homozygotes.

Submissions (2):

Labcorp Genetics (formerly Invitae), Labcorp
Classification: Uncertain significance for Episodic ataxia type 1. Last evaluated: 2025-04-26. Review status: criteria provided, single submitter. Criteria: Invitae Variant Classification Sherloc (09022015). Collection method: clinical testing. Allele origin: germline.
Comment: This sequence change replaces histidine, which is basic and polar, with tyrosine, which is neutral and polar, at codon 203 of the KCNA1 protein (p.His203Tyr). This variant is present in population databases (no rsID available, gnomAD 0.0009%). This variant has not been reported in the literature in individuals affected with KCNA1-related conditions. ClinVar contains an entry for this variant (Variation ID: 2577242). Invitae Evidence Modeling of protein sequence and biophysical properties (such as structural, functional, and spatial information, amino acid conservation, physicochemical variation, residue mobility, and thermodynamic stability) indicates that this missense variant is not expected to disrupt KCNA1 protein function with a negative predictive value of 80%. In summary, the available evidence is currently insufficient to determine the role of this variant in disease. Therefore, it has been classified as a Variant of Uncertain Significance.

Women's Health and Genetics/Laboratory Corporation of America, LabCorp
Classification: Uncertain significance. Last evaluated: 2023-07-07. Review status: criteria provided, single submitter. Criteria: LabCorp Variant Classification Summary - May 2015. Collection method: clinical testing. Allele origin: germline.
Comment: Variant summary: KCNA1 c.607C>T (p.His203Tyr) results in a conservative amino acid change located in the ion transport domain (IPR005821) of the encoded protein sequence. Five of five in-silico tools predict a benign effect of the variant on protein function. The variant allele was found at a frequency of 4e-06 in 251456 control chromosomes (gnomAD). The available data on variant occurrences in the general population are insufficient to allow any conclusion about variant significance. To our knowledge, no occurrence of c.607C>T in individuals affected with Episodic Ataxia Type 1 and no experimental evidence demonstrating its impact on protein function have been reported. No submitters have cited clinical-significance assessments for this variant to ClinVar after 2014. Based on the evidence outlined above, the variant was classified as uncertain significance.